The following is an entry in ClinVar:

NM_015047.3(EMC1):c.95+5G>A

Gene: EMC1 (ER membrane protein complex subunit 1; minus strand). Cytogenetic location: 1p36.13.
Variant type: single nucleotide variant.
Coding change: c.95+5G>A on transcript NM_015047.3 (MANE Select); 5 bases into the intron after coding-DNA position 95, G replaced by A.
Molecular consequence: intron variant.
Genome position (GRCh38, 1-based): chr1:19,251,410, C>T on the plus strand (G>A on the coding strand, the complement: EMC1 is on the minus strand). VCF-style: chr1-19251410-C-T. GRCh37 (hg19) VCF-style: chr1-19577904-C-T.
Other names: c.95+5G>A (NM_001271429.2, NM_001271427.2, NM_001375821.1 and 2 more transcripts).
Identifiers: ClinVar variation 1395503 (VCV001395503.6), dbSNP rs2093658799, ClinGen allele CA2573130913.

ClinVar aggregate classification (germline): Uncertain significance (1 of 4 stars; one submission).

Submission:

Labcorp Genetics (formerly Invitae), Labcorp
Classification: Uncertain significance. Last evaluated: 2022-10-17. Review status: criteria provided, single submitter. Criteria: Invitae Variant Classification Sherloc (09022015). Collection method: clinical testing. Allele origin: germline.
Comment: In summary, the available evidence is currently insufficient to determine the role of this variant in disease. Therefore, it has been classified as a Variant of Uncertain Significance. Variants that disrupt the consensus splice site are a relatively common cause of aberrant splicing (PMID: 17576681, 9536098). Algorithms developed to predict the effect of sequence changes on RNA splicing suggest that this variant may disrupt the consensus splice site. ClinVar contains an entry for this variant (Variation ID: 1395503). This variant has not been reported in the literature in individuals affected with EMC1-related conditions. This variant is not present in population databases (gnomAD no frequency). This sequence change falls in intron 1 of the EMC1 gene. It does not directly change the encoded amino acid sequence of the EMC1 protein. It affects a nucleotide within the consensus splice site.

Literature cited by the submitters: PubMed 17576681; PubMed 9536098.